The following is an entry in ClinVar:

ClinVar aggregate classification (germline): Uncertain significance (1 of 4 stars; one submission).

Conditions:
Emery-Dreifuss muscular dystrophy 5, autosomal dominant (EDMD5). Also called: EMERY-DREIFUSS MUSCULAR DYSTROPHY 5. Identifiers: Orphanet 261, MedGen C2751805, MONDO:0013072, OMIM 612999.

Submission:

Labcorp Genetics (formerly Invitae), Labcorp
Classification: Uncertain significance for Emery-Dreifuss muscular dystrophy 5, autosomal dominant. Last evaluated: 2025-10-06. Review status: criteria provided, single submitter. Criteria: Invitae Variant Classification Sherloc (09022015). Collection method: clinical testing. Allele origin: germline.
Comment: This sequence change replaces histidine, which is basic and polar, with proline, which is neutral and non-polar, at codon 4892 of the SYNE2 protein (p.His4892Pro). This variant is not present in population databases (gnomAD no frequency). This variant has not been reported in the literature in individuals affected with SYNE2-related conditions. An algorithm developed to predict the effect of missense changes on protein structure and function (PolyPhen-2) suggests that this variant is likely to be disruptive. In summary, the available evidence is currently insufficient to determine the role of this variant in disease. Therefore, it has been classified as a Variant of Uncertain Significance.

NM_182914.3(SYNE2):c.14675A>C (p.His4892Pro)

Gene: SYNE2 (spectrin repeat containing nuclear envelope protein 2; plus strand). Cytogenetic location: 14q23.2.
Variant type: single nucleotide variant.
Coding change: c.14675A>C on transcript NM_182914.3 (MANE Select); coding-DNA position 14675, A replaced by C.
Protein change: p.His4892Pro; replaces histidine 4892 with proline.
Molecular consequence: missense variant.
Genome position (GRCh38, 1-based): chr14:64,137,815, A>C. VCF-style: chr14-64137815-A-C. GRCh37 (hg19) VCF-style: chr14-64604533-A-C.
Other names: c.14675A>C, p.His4892Pro (NM_015180.6); short protein forms H4892P.
Identifiers: ClinVar variation 4723644 (VCV004723644.1).